The following is an entry in ClinVar:

ClinVar aggregate classification (germline): Benign (0 of 4 stars; one submission).

Conditions:
B3GALNT1-related disorder. Also called: B3GALNT1-related condition.

Allele frequency attached by ClinVar (database versions not stated): gnomAD exomes 0.00267; ExAC 0.01026; gnomAD 0.02764; 1000 Genomes Project 0.02855; 1000 Genomes Project 30x 0.03076; ESP Exome Variant Server 0.03148; TOPMed 0.03158.
gnomAD v4.1: 8,266 of 1,612,660 alleles (0.51%); highest among the groups gnomAD compares: African/African-American, 9.7%; 384 homozygotes.

Submissions (34):

PreventionGenetics, part of Exact Sciences
Classification: Benign for B3GALNT1-related condition. Last evaluated: 2019-10-15. Review status: no assertion criteria provided. Collection method: clinical testing. Allele origin: germline.
Comment: This variant is classified as benign based on ACMG/AMP sequence variant interpretation guidelines (Richards et al. 2015 PMID: 25741868, with internal and published modifications).

Dr. Peter K. Rogan Lab, Western University
No classification provided (evidence only). Condition: Lung cancer. Review status: no classification provided. Collection method: in vitro. Allele origin: not applicable. Functional consequence: retained intron. Not counted in ClinVar's aggregate classification.

Dr. Peter K. Rogan Lab, Western University
No classification provided (evidence only). Condition: Lung cancer. Review status: no classification provided. Collection method: in vitro. Allele origin: not applicable. Functional consequence: retained intron. Not counted in ClinVar's aggregate classification.

Dr. Peter K. Rogan Lab, Western University
No classification provided (evidence only). Condition: Acute myeloid leukemia. Review status: no classification provided. Collection method: in vitro. Allele origin: not applicable. Functional consequence: retained intron. Not counted in ClinVar's aggregate classification.

Dr. Peter K. Rogan Lab, Western University
No classification provided (evidence only). Condition: Acute myeloid leukemia. Review status: no classification provided. Collection method: in vitro. Allele origin: not applicable. Functional consequence: retained intron. Not counted in ClinVar's aggregate classification.

Dr. Peter K. Rogan Lab, Western University
No classification provided (evidence only). Condition: Colon adenocarcinoma. Review status: no classification provided. Collection method: in vitro. Allele origin: not applicable. Functional consequence: retained intron. Not counted in ClinVar's aggregate classification.

Dr. Peter K. Rogan Lab, Western University
No classification provided (evidence only). Condition: Thyroid cancer, nonmedullary, 1. Review status: no classification provided. Collection method: in vitro. Allele origin: not applicable. Functional consequence: retained intron. Not counted in ClinVar's aggregate classification.

Dr. Peter K. Rogan Lab, Western University
No classification provided (evidence only). Condition: Thyroid cancer, nonmedullary, 1. Review status: no classification provided. Collection method: in vitro. Allele origin: not applicable. Functional consequence: retained intron. Not counted in ClinVar's aggregate classification.

Dr. Peter K. Rogan Lab, Western University
No classification provided (evidence only). Condition: Thyroid cancer, nonmedullary, 1. Review status: no classification provided. Collection method: in vitro. Allele origin: not applicable. Functional consequence: retained intron. Not counted in ClinVar's aggregate classification.

Dr. Peter K. Rogan Lab, Western University
No classification provided (evidence only). Condition: Thyroid cancer, nonmedullary, 1. Review status: no classification provided. Collection method: in vitro. Allele origin: not applicable. Functional consequence: retained intron. Not counted in ClinVar's aggregate classification.

Dr. Peter K. Rogan Lab, Western University
No classification provided (evidence only). Condition: Uterine corpus endometrial carcinoma. Review status: no classification provided. Collection method: in vitro. Allele origin: not applicable. Functional consequence: retained intron. Not counted in ClinVar's aggregate classification.

Dr. Peter K. Rogan Lab, Western University
No classification provided (evidence only). Condition: Uterine corpus endometrial carcinoma. Review status: no classification provided. Collection method: in vitro. Allele origin: not applicable. Functional consequence: retained intron. Not counted in ClinVar's aggregate classification.

Dr. Peter K. Rogan Lab, Western University
No classification provided (evidence only). Condition: Uterine corpus endometrial carcinoma. Review status: no classification provided. Collection method: in vitro. Allele origin: not applicable. Functional consequence: retained intron. Not counted in ClinVar's aggregate classification.

Dr. Peter K. Rogan Lab, Western University
No classification provided (evidence only). Condition: Uterine corpus endometrial carcinoma. Review status: no classification provided. Collection method: in vitro. Allele origin: not applicable. Functional consequence: retained intron. Not counted in ClinVar's aggregate classification.

Dr. Peter K. Rogan Lab, Western University
No classification provided (evidence only). Condition: Uterine corpus endometrial carcinoma. Review status: no classification provided. Collection method: in vitro. Allele origin: not applicable. Functional consequence: retained intron. Not counted in ClinVar's aggregate classification.

Dr. Peter K. Rogan Lab, Western University
No classification provided (evidence only). Condition: Uterine corpus endometrial carcinoma. Review status: no classification provided. Collection method: in vitro. Allele origin: not applicable. Functional consequence: retained intron. Not counted in ClinVar's aggregate classification.

Dr. Peter K. Rogan Lab, Western University
No classification provided (evidence only). Condition: Cervical cancer. Review status: no classification provided. Collection method: in vitro. Allele origin: not applicable. Functional consequence: retained intron. Not counted in ClinVar's aggregate classification.

Dr. Peter K. Rogan Lab, Western University
No classification provided (evidence only). Condition: Cervical cancer. Review status: no classification provided. Collection method: in vitro. Allele origin: not applicable. Functional consequence: retained intron. Not counted in ClinVar's aggregate classification.

Dr. Peter K. Rogan Lab, Western University
No classification provided (evidence only). Condition: Cervical cancer. Review status: no classification provided. Collection method: in vitro. Allele origin: not applicable. Functional consequence: retained intron. Not counted in ClinVar's aggregate classification.

Dr. Peter K. Rogan Lab, Western University
No classification provided (evidence only). Condition: Cervical cancer. Review status: no classification provided. Collection method: in vitro. Allele origin: not applicable. Functional consequence: retained intron. Not counted in ClinVar's aggregate classification.

Dr. Peter K. Rogan Lab, Western University
No classification provided (evidence only). Condition: Cervical cancer. Review status: no classification provided. Collection method: in vitro. Allele origin: not applicable. Functional consequence: retained intron. Not counted in ClinVar's aggregate classification.

Dr. Peter K. Rogan Lab, Western University
No classification provided (evidence only). Condition: Cervical cancer. Review status: no classification provided. Collection method: in vitro. Allele origin: not applicable. Functional consequence: retained intron. Not counted in ClinVar's aggregate classification.

Dr. Peter K. Rogan Lab, Western University
No classification provided (evidence only). Condition: Cervical cancer. Review status: no classification provided. Collection method: in vitro. Allele origin: not applicable. Functional consequence: retained intron. Not counted in ClinVar's aggregate classification.

Dr. Peter K. Rogan Lab, Western University
No classification provided (evidence only). Condition: Cervical cancer. Review status: no classification provided. Collection method: in vitro. Allele origin: not applicable. Functional consequence: retained intron. Not counted in ClinVar's aggregate classification.

Dr. Peter K. Rogan Lab, Western University
No classification provided (evidence only). Condition: Cervical cancer. Review status: no classification provided. Collection method: in vitro. Allele origin: not applicable. Functional consequence: retained intron. Not counted in ClinVar's aggregate classification.

Dr. Peter K. Rogan Lab, Western University
No classification provided (evidence only). Condition: Cervical cancer. Review status: no classification provided. Collection method: in vitro. Allele origin: not applicable. Functional consequence: retained intron. Not counted in ClinVar's aggregate classification.

Dr. Peter K. Rogan Lab, Western University
No classification provided (evidence only). Condition: Nonpapillary renal cell carcinoma. Review status: no classification provided. Collection method: in vitro. Allele origin: not applicable. Functional consequence: retained intron. Not counted in ClinVar's aggregate classification.

Dr. Peter K. Rogan Lab, Western University
No classification provided (evidence only). Condition: Thymoma. Review status: no classification provided. Collection method: in vitro. Allele origin: not applicable. Functional consequence: retained intron. Not counted in ClinVar's aggregate classification.

Dr. Peter K. Rogan Lab, Western University
No classification provided (evidence only). Condition: Ovarian serous cystadenocarcinoma. Review status: no classification provided. Collection method: in vitro. Allele origin: not applicable. Functional consequence: retained intron. Not counted in ClinVar's aggregate classification.

Dr. Peter K. Rogan Lab, Western University
No classification provided (evidence only). Condition: Ovarian serous cystadenocarcinoma. Review status: no classification provided. Collection method: in vitro. Allele origin: not applicable. Functional consequence: retained intron. Not counted in ClinVar's aggregate classification.

Dr. Peter K. Rogan Lab, Western University
No classification provided (evidence only). Condition: Gastric cancer. Review status: no classification provided. Collection method: in vitro. Allele origin: not applicable. Functional consequence: retained intron. Not counted in ClinVar's aggregate classification.

Dr. Peter K. Rogan Lab, Western University
No classification provided (evidence only). Condition: Uterine carcinosarcoma. Review status: no classification provided. Collection method: in vitro. Allele origin: not applicable. Functional consequence: retained intron. Not counted in ClinVar's aggregate classification.

Dr. Peter K. Rogan Lab, Western University
No classification provided (evidence only). Condition: Malignant tumor of esophagus. Review status: no classification provided. Collection method: in vitro. Allele origin: not applicable. Functional consequence: retained intron. Not counted in ClinVar's aggregate classification.

Dr. Peter K. Rogan Lab, Western University
No classification provided (evidence only). Condition: Malignant tumor of esophagus. Review status: no classification provided. Collection method: in vitro. Allele origin: not applicable. Functional consequence: retained intron. Not counted in ClinVar's aggregate classification.

NM_003781.4(B3GALNT1):c.-27G>A

Gene: B3GALNT1 (beta-1,3-N-acetylgalactosaminyltransferase 1 (Globoside blood group); minus strand). Cytogenetic location: 3q26.1.
Variant type: single nucleotide variant.
Coding change: c.-27G>A on transcript NM_003781.4 (MANE Select); 27 bases upstream of the start codon, G replaced by A.
Molecular consequence: 5 prime UTR variant. On other transcripts: missense variant (2).
Genome position (GRCh38, 1-based): chr3:161,086,781, C>T on the plus strand (G>A on the coding strand, the complement: B3GALNT1 is on the minus strand). VCF-style: chr3-161086781-C-T. GRCh37 (hg19) VCF-style: chr3-160804569-C-T.
Other names: NC_000003.11:g.160804569C>T; c.-27G>A (NM_001038628.2, NM_001349130.2, NM_001349131.2 and 33 more transcripts); c.334G>A, p.Gly112Ser (NM_001349162.2, NM_001349163.2); short protein forms G112S.
Identifiers: ClinVar variation 3037666 (VCV003037666.3), dbSNP rs2231256, ClinGen allele CA2688271.